The following is an entry in ClinVar:

NM_025243.4(SLC19A3):c.587G>A (p.Ser196Asn)

Gene: SLC19A3 (solute carrier family 19 member 3; minus strand). Cytogenetic location: 2q36.3.
Variant type: single nucleotide variant.
Coding change: c.587G>A on transcript NM_025243.4 (MANE Select); coding-DNA position 587, G replaced by A.
Protein change: p.Ser196Asn; replaces serine 196 with asparagine.
Molecular consequence: missense variant.
Genome position (GRCh38, 1-based): chr2:227,699,128, C>T on the plus strand (G>A on the coding strand, the complement: SLC19A3 is on the minus strand). VCF-style: chr2-227699128-C-T. GRCh37 (hg19) VCF-style: chr2-228563844-C-T.
Other names: short protein forms S196N.
Identifiers: ClinVar variation 533546 (VCV000533546.6), dbSNP rs892057479, ClinGen allele CA66660401.

ClinVar aggregate classification (germline): Uncertain significance (1 of 4 stars; one submission).

Conditions:
Biotin-responsive basal ganglia disease (BTBGD). Also called: Thiamine metabolism dysfunction syndrome 2 (biotin- or thiamine-responsive encephalopathy type 2); thiamine-responsive encephalopathy; Thiamine metabolism dysfunction syndrome type 2; Thiamine Transporter-2 Deficiency; THIAMINE METABOLISM DYSFUNCTION SYNDROME 2 (BIOTIN- AND THIAMINE-RESPONSIVE TYPE). Identifiers: Orphanet 199348, Orphanet 65284, MedGen C1843807, MONDO:0011841, OMIM 607483.

Allele frequency attached by ClinVar (database versions not stated): TOPMed below 0.00001; gnomAD 0.00001; gnomAD exomes 0.00001.

Submission:

Labcorp Genetics (formerly Invitae), Labcorp
Classification: Uncertain significance for Biotin-responsive basal ganglia disease. Last evaluated: 2021-08-31. Review status: criteria provided, single submitter. Criteria: Invitae Variant Classification Sherloc (09022015). Collection method: clinical testing. Allele origin: germline.
Comment: This sequence change replaces serine with asparagine at codon 196 of the SLC19A3 protein (p.Ser196Asn). The serine residue is highly conserved and there is a small physicochemical difference between serine and asparagine. This variant is not present in population databases (ExAC no frequency). This variant has not been reported in the literature in individuals affected with SLC19A3-related conditions. Algorithms developed to predict the effect of missense changes on protein structure and function are either unavailable or do not agree on the potential impact of this missense change (SIFT: "Tolerated"; PolyPhen-2: "Probably Damaging"; Align-GVGD: "Class C0"). In summary, the available evidence is currently insufficient to determine the role of this variant in disease. Therefore, it has been classified as a Variant of Uncertain Significance.